The following is an entry in ClinVar:

NC_000002.11:g.(?_228552093)_(228567054_?)dup

Gene: SLC19A3 (solute carrier family 19 member 3; minus strand). Cytogenetic location: 2q36.3.
Variant type: Duplication.
Identifiers: ClinVar variation 464951 (VCV000464951.2).

ClinVar aggregate classification (germline): Uncertain significance (1 of 4 stars; one submission).

Conditions:
Biotin-responsive basal ganglia disease (BTBGD). Also called: Thiamine metabolism dysfunction syndrome type 2; Thiamine metabolism dysfunction syndrome 2 (biotin- or thiamine-responsive encephalopathy type 2); thiamine-responsive encephalopathy; Thiamine Transporter-2 Deficiency; THIAMINE METABOLISM DYSFUNCTION SYNDROME 2 (BIOTIN- AND THIAMINE-RESPONSIVE TYPE). Identifiers: Orphanet 199348, Orphanet 65284, MedGen C1843807, MONDO:0011841, OMIM 607483.

Submission:

Labcorp Genetics (formerly Invitae), Labcorp
Classification: Uncertain significance for Biotin-thiamine-responsive basal ganglia disease. Last evaluated: 2019-02-12. Review status: criteria provided, single submitter. Criteria: Invitae Variant Classification Sherloc (09022015). Collection method: clinical testing. Allele origin: germline.
Comment: This variant results in a copy number gain of the genomic region encompassing the full coding sequence of the SLC19A3 gene. The boundaries of this event are unknown as they extend beyond the assayed region for this gene and therefore may encompass additional genes. As the precise location of this event is unknown, it may be in tandem or it may be located elsewhere in the genome. This variant has not been reported in the literature in individuals with SLC19A3-related conditions. Experimental studies are not available for this variant, and the functional significance of a copy number gain of this gene is currently unknown. In summary, the available evidence is currently insufficient to determine the role of this variant in disease. Therefore, it has been classified as a Variant of Uncertain Significance.